The following is an entry in ClinVar:

ClinVar aggregate classification (germline): Uncertain significance (1 of 4 stars; one submission).

Allele frequency attached by ClinVar (database versions not stated): gnomAD 0.00001; gnomAD exomes 0.00001 and 0.00002; ExAC 0.00002; TOPMed 0.00002.
gnomAD v4.1: 15 of 1,613,980 alleles (0.00093%); highest among the groups gnomAD compares: Admixed American, 0.0067%; no homozygotes.

Submission:

Labcorp Genetics (formerly Invitae), Labcorp
Classification: Uncertain significance. Last evaluated: 2022-07-30. Review status: criteria provided, single submitter. Criteria: Invitae Variant Classification Sherloc (09022015). Collection method: clinical testing. Allele origin: germline.
Comment: This sequence change replaces aspartic acid, which is acidic and polar, with glycine, which is neutral and non-polar, at codon 598 of the AHR protein (p.Asp598Gly). This variant is present in population databases (rs749997395, gnomAD 0.009%). This variant has not been reported in the literature in individuals affected with AHR-related conditions. ClinVar contains an entry for this variant (Variation ID: 1417070). Algorithms developed to predict the effect of missense changes on protein structure and function output the following: SIFT: "Tolerated"; PolyPhen-2: "Benign"; Align-GVGD: "Class C0". The glycine amino acid residue is found in multiple mammalian species, which suggests that this missense change does not adversely affect protein function. In summary, the available evidence is currently insufficient to determine the role of this variant in disease. Therefore, it has been classified as a Variant of Uncertain Significance.

NM_001621.5(AHR):c.1793A>G (p.Asp598Gly)

Gene: AHR (aryl hydrocarbon receptor; plus strand). Cytogenetic location: 7p21.1.
Variant type: single nucleotide variant.
Coding change: c.1793A>G on transcript NM_001621.5 (MANE Select); coding-DNA position 1793, A replaced by G.
Protein change: p.Asp598Gly; replaces aspartic acid 598 with glycine.
Molecular consequence: missense variant.
Genome position (GRCh38, 1-based): chr7:17,339,618, A>G. VCF-style: chr7-17339618-A-G. GRCh37 (hg19) VCF-style: chr7-17379242-A-G.
Other names: short protein forms D598G.
Identifiers: ClinVar variation 1417070 (VCV001417070.8), dbSNP rs749997395, ClinGen allele CA4172183.
Genomic context (GRCh38, chr7:17,339,618, plus strand): 5'-CGGATGAAATCCTGACGTATGTCCAAGATTCTTTAAGTAAGTCTCCCTTCATACCTTCAG[A>G]TTATCAACAGCAACAGTCCTTGGCTCTGAACTCAAGCTGTATGGTACAGGAACACCTACA-3'
Protein context (NP_001612.1, residues 588-608): SLSKSPFIPS[Asp598Gly]YQQQQSLALN